The following is an entry in ClinVar:

ClinVar aggregate classification (germline): Benign/Likely benign. Review status: criteria provided, multiple submitters, no conflicts (2 of 4 stars). 5 submissions from 5 submitters: Benign (2); Likely benign (2). 1 of the submissions does not count toward it. Last evaluated 2026-01-15.

Conditions:
TRRAP-related disorder. Also called: TRRAP-related condition.

Allele frequency attached by ClinVar (database versions not stated): ExAC 0.00026; gnomAD exomes 0.00028 and 0.00035; TOPMed 0.00036; gnomAD 0.00040 and 0.00044; ESP Exome Variant Server 0.00046.
gnomAD v4.1: 567 of 1,612,136 alleles (0.035%); highest among the groups gnomAD compares: Non-Finnish European, 0.044%; 1 homozygote.

Submissions (5):

Labcorp Genetics (formerly Invitae), Labcorp
Classification: Benign. Last evaluated: 2026-01-15. Review status: criteria provided, single submitter. Criteria: Invitae Variant Classification Sherloc (09022015). Collection method: clinical testing. Allele origin: germline.

CeGaT Center for Human Genetics Tuebingen
Classification: Likely benign. Last evaluated: 2025-10-01. Review status: criteria provided, single submitter. Criteria: CeGaT Center For Human Genetics Tuebingen Variant Classification Criteria Version 2. Collection method: clinical testing. Allele origin: germline. Affected: yes. Observed: 11 variant alleles.
Comment: TRRAP: BP4, BP7

Laboratory of Genetics, Children's Clinical University Hospital Latvia
Classification: Benign. Last evaluated: 2025-02-16. Review status: criteria provided, single submitter. Criteria: ACMG Guidelines, 2015. Collection method: clinical testing. Allele origin: germline. Affected: yes.

Blueprint Genetics
Classification: Likely benign. Last evaluated: 2024-11-14. Review status: criteria provided, single submitter. Criteria: ACMG Guidelines, 2015. Collection method: clinical testing. Allele origin: germline.

PreventionGenetics, part of Exact Sciences
Classification: Likely benign for TRRAP-related condition. Last evaluated: 2024-06-04. Review status: no assertion criteria provided. Collection method: clinical testing. Allele origin: germline. Not counted in ClinVar's aggregate classification.
Comment: This variant is classified as likely benign based on ACMG/AMP sequence variant interpretation guidelines (Richards et al. 2015 PMID: 25741868, with internal and published modifications).

NM_001375524.1(TRRAP):c.6972C>T (p.Thr2324=)

Gene: TRRAP (transformation/transcription domain associated protein; plus strand). Cytogenetic location: 7q22.1.
Variant type: single nucleotide variant.
Coding change: c.6972C>T on transcript NM_001375524.1 (MANE Select); coding-DNA position 6972, C replaced by T.
Protein change: p.Thr2324=; no amino-acid change (threonine 2324 retained).
Molecular consequence: synonymous variant.
Genome position (GRCh38, 1-based): chr7:98,964,771, C>T. VCF-style: chr7-98964771-C-T. GRCh37 (hg19) VCF-style: chr7-98562394-C-T.
Other names: c.6951C>T, p.Thr2317= (NM_001244580.2); c.6897C>T, p.Thr2299= (NM_003496.4); c.6897C>T (NM_003496.3).
Identifiers: ClinVar variation 872275 (VCV000872275.48), dbSNP rs143292301, ClinGen allele CA4361015.